The following is an entry in ClinVar:

NM_001953.5(TYMP):c.506G>C (p.Ser169Thr)

Gene: TYMP (thymidine phosphorylase; minus strand). Cytogenetic location: 22q13.33.
Variant type: single nucleotide variant.
Coding change: c.506G>C on transcript NM_001953.5 (MANE Select); coding-DNA position 506, G replaced by C.
Protein change: p.Ser169Thr; replaces serine 169 with threonine.
Molecular consequence: missense variant.
Genome position (GRCh38, 1-based): chr22:50,528,522, C>G on the plus strand (G>C on the coding strand, the complement: TYMP is on the minus strand). VCF-style: chr22-50528522-C-G. GRCh37 (hg19) VCF-style: chr22-50966951-C-G.
Other names: c.506G>C, p.Ser169Thr (NM_001113755.3, NM_001113756.3, NM_001257988.1 and 1 more transcripts); short protein forms S169T.
Identifiers: ClinVar variation 1959702 (VCV001959702.5), dbSNP rs2522538744, ClinGen allele CA412201667.

ClinVar aggregate classification (germline): Uncertain significance (1 of 4 stars; one submission).

Submission:

Labcorp Genetics (formerly Invitae), Labcorp
Classification: Uncertain significance. Last evaluated: 2022-07-19. Review status: criteria provided, single submitter. Criteria: Invitae Variant Classification Sherloc (09022015). Collection method: clinical testing. Allele origin: germline.
Comment: This variant has not been reported in the literature in individuals affected with TYMP-related conditions. In summary, the available evidence is currently insufficient to determine the role of this variant in disease. Therefore, it has been classified as a Variant of Uncertain Significance. Advanced modeling of protein sequence and biophysical properties (such as structural, functional, and spatial information, amino acid conservation, physicochemical variation, residue mobility, and thermodynamic stability) performed at Invitae indicates that this missense variant is not expected to disrupt TYMP protein function. This variant is not present in population databases (gnomAD no frequency). This sequence change replaces serine, which is neutral and polar, with threonine, which is neutral and polar, at codon 169 of the TYMP protein (p.Ser169Thr).